The following is an entry in ClinVar:

ClinVar aggregate classification (germline): Uncertain significance (1 of 4 stars; one submission).

Allele frequency attached by ClinVar (database versions not stated): gnomAD exomes 0.00001.
gnomAD v4.1: 12 of 1,608,670 alleles (0.00075%); highest among the groups gnomAD compares: African/African-American, 0.004%; 1 homozygote.

Submission:

Labcorp Genetics (formerly Invitae), Labcorp
Classification: Uncertain significance. Last evaluated: 2022-06-13. Review status: criteria provided, single submitter. Criteria: Invitae Variant Classification Sherloc (09022015). Collection method: clinical testing. Allele origin: germline.
Comment: In summary, the available evidence is currently insufficient to determine the role of this variant in disease. Therefore, it has been classified as a Variant of Uncertain Significance. Algorithms developed to predict the effect of missense changes on protein structure and function are either unavailable or do not agree on the potential impact of this missense change (SIFT: "Deleterious"; PolyPhen-2: "Possibly Damaging"; Align-GVGD: "Class C0"). This variant has not been reported in the literature in individuals affected with CCDC88A-related conditions. This variant is present in population databases (no rsID available, gnomAD 0.0009%). This sequence change replaces leucine, which is neutral and non-polar, with valine, which is neutral and non-polar, at codon 106 of the CCDC88A protein (p.Leu106Val).

NM_001365480.1(CCDC88A):c.316T>G (p.Leu106Val)

Gene: CCDC88A (coiled-coil domain containing 88A; minus strand). Cytogenetic location: 2p16.1.
Variant type: single nucleotide variant.
Coding change: c.316T>G on transcript NM_001365480.1 (MANE Select); coding-DNA position 316, T replaced by G.
Protein change: p.Leu106Val; replaces leucine 106 with valine.
Molecular consequence: missense variant.
Genome position (GRCh38, 1-based): chr2:55,374,841, A>C on the plus strand (T>G on the coding strand, the complement: CCDC88A is on the minus strand). VCF-style: chr2-55374841-A-C. GRCh37 (hg19) VCF-style: chr2-55601977-A-C.
Other names: c.316T>G, p.Leu106Val (NM_001135597.2, NM_001254943.2, NM_018084.5); short protein forms L106V.
Identifiers: ClinVar variation 2190958 (VCV002190958.2), dbSNP rs866138534, ClinGen allele CA47591983.
Genomic context (GRCh38, chr2:55,374,841, plus strand): 5'-ACATTACTTTCACAGCTTAATTTTAATACTTACCAGAAAAGGGATTTTTGCCAATGATTA[A>C]GACATTTGGCAACGACATCATGATCAATTGCTGCAAAGTCTCCTGTAAAAAAATATCCAA-3'
Protein context (NP_001352409.1, residues 96-116): QLIMMSLPNV[Leu106Val]IIGKNPFSEQ